The following is an entry in ClinVar:

NM_001190787.3(MCIDAS):c.950G>A (p.Gly317Glu)

Gene: MCIDAS (multiciliate differentiation and DNA synthesis associated cell cycle protein; minus strand). Cytogenetic location: 5q11.2.
Variant type: single nucleotide variant.
Coding change: c.950G>A on transcript NM_001190787.3 (MANE Select); coding-DNA position 950, G replaced by A.
Protein change: p.Gly317Glu; replaces glycine 317 with glutamic acid.
Molecular consequence: missense variant.
Genome position (GRCh38, 1-based): chr5:55,220,574, C>T on the plus strand (G>A on the coding strand, the complement: MCIDAS is on the minus strand). VCF-style: chr5-55220574-C-T. GRCh37 (hg19) VCF-style: chr5-54516402-C-T.
Other names: short protein forms G317E.
Identifiers: ClinVar variation 1929547 (VCV001929547.5), dbSNP rs1745334815, ClinGen allele CA359730919.

ClinVar aggregate classification (germline): Uncertain significance (1 of 4 stars; one submission).

Conditions:
Primary ciliary dyskinesia. Also called: Ciliary dyskinesia. Identifiers: Orphanet 244, MedGen C0008780, MONDO:0016575, HP:0012265.

Allele frequency attached by ClinVar (database versions not stated): gnomAD exomes below 0.00001; gnomAD 0.00001.
gnomAD v4.1: 6 of 1,535,990 alleles (0.00039%); highest among the groups gnomAD compares: Non-Finnish European, 0.00052%; no homozygotes.

Submission:

Labcorp Genetics (formerly Invitae), Labcorp
Classification: Uncertain significance for Primary ciliary dyskinesia. Last evaluated: 2022-02-23. Review status: criteria provided, single submitter. Criteria: Invitae Variant Classification Sherloc (09022015). Collection method: clinical testing. Allele origin: germline.
Comment: This sequence change replaces glycine, which is neutral and non-polar, with glutamic acid, which is acidic and polar, at codon 317 of the MCIDAS protein (p.Gly317Glu). This variant is not present in population databases (gnomAD no frequency). This variant has not been reported in the literature in individuals affected with MCIDAS-related conditions. Algorithms developed to predict the effect of missense changes on protein structure and function (SIFT, PolyPhen-2, Align-GVGD) all suggest that this variant is likely to be tolerated. In summary, the available evidence is currently insufficient to determine the role of this variant in disease. Therefore, it has been classified as a Variant of Uncertain Significance.